The following is an entry in ClinVar:

ClinVar aggregate classification (germline): Benign/Likely benign. Review status: criteria provided, multiple submitters, no conflicts (2 of 4 stars). 2 submissions from 2 submitters: Benign (1); Likely benign (1). Last evaluated 2026-07-01.

Allele frequency attached by ClinVar (database versions not stated): ExAC 0.00011; gnomAD 0.00027 and 0.00028; TOPMed 0.00027; 1000 Genomes Project 30x 0.00031; 1000 Genomes Project 0.00040; ESP Exome Variant Server 0.00046; gnomAD exomes 0.00001 and 0.00006.
gnomAD v4.1: 56 of 1,613,878 alleles (0.0035%); highest among the groups gnomAD compares: African/African-American, 0.075%; no homozygotes.

Submissions (2):

CeGaT Center for Human Genetics Tuebingen
Classification: Likely benign. Last evaluated: 2026-07-01. Review status: criteria provided, single submitter. Criteria: CeGaT Center For Human Genetics Tuebingen Variant Classification Criteria Version 2. Collection method: clinical testing. Allele origin: germline. Affected: yes. Observed: 1 variant allele.
Comment: SLC1A2: BP4, BP7

Labcorp Genetics (formerly Invitae), Labcorp
Classification: Benign. Last evaluated: 2025-05-22. Review status: criteria provided, single submitter. Criteria: Invitae Variant Classification Sherloc (09022015). Collection method: clinical testing. Allele origin: germline.

NM_004171.4(SLC1A2):c.786G>A (p.Gln262=)

Gene: SLC1A2 (solute carrier family 1 member 2; minus strand). Cytogenetic location: 11p13.
Variant type: single nucleotide variant.
Coding change: c.786G>A on transcript NM_004171.4 (MANE Select); coding-DNA position 786, G replaced by A.
Protein change: p.Gln262=; no amino-acid change (glutamine 262 retained).
Molecular consequence: synonymous variant.
Genome position (GRCh38, 1-based): chr11:35,301,590, C>T on the plus strand (G>A on the coding strand, the complement: SLC1A2 is on the minus strand). VCF-style: chr11-35301590-C-T. GRCh37 (hg19) VCF-style: chr11-35323137-C-T.
Other names: c.759G>A, p.Gln253= (NM_001195728.3, NM_001252652.2).
Identifiers: ClinVar variation 1599632 (VCV001599632.9), dbSNP rs150244908, ClinGen allele CA5947222.